The following is an entry in ClinVar:

ClinVar aggregate classification (germline): Uncertain significance. Review status: criteria provided, multiple submitters, no conflicts (2 of 4 stars). 2 submissions from 2 submitters: Uncertain significance (2). Last evaluated 2024-10-28.

Conditions:
Inborn genetic diseases. Identifiers: MedGen C0950123, MeSH D030342.

Allele frequency attached by ClinVar (database versions not stated): gnomAD exomes below 0.00001.
gnomAD v4.1: 2 of 1,614,198 alleles (0.00012%); highest among the groups gnomAD compares: Non-Finnish European, 0.00017%; no homozygotes.

Submissions (2):

Labcorp Genetics (formerly Invitae), Labcorp
Classification: Uncertain significance. Last evaluated: 2024-10-28. Review status: criteria provided, single submitter. Criteria: Invitae Variant Classification Sherloc (09022015). Collection method: clinical testing. Allele origin: germline.
Comment: This sequence change replaces alanine, which is neutral and non-polar, with glycine, which is neutral and non-polar, at codon 509 of the CTNNB1 protein (p.Ala509Gly). This variant is not present in population databases (gnomAD no frequency). This variant has not been reported in the literature in individuals affected with CTNNB1-related conditions. ClinVar contains an entry for this variant (Variation ID: 2489116). An algorithm developed to predict the effect of missense changes on protein structure and function (PolyPhen-2) suggests that this variant is likely to be disruptive. In summary, the available evidence is currently insufficient to determine the role of this variant in disease. Therefore, it has been classified as a Variant of Uncertain Significance.

Ambry Genetics
Classification: Uncertain significance for Inborn genetic diseases. Last evaluated: 2023-02-27. Review status: criteria provided, single submitter. Criteria: Ambry Variant Classification Scheme 2023. Collection method: clinical testing. Allele origin: germline.

NM_001904.4(CTNNB1):c.1526C>G (p.Ala509Gly)

Genes: CTNNB1 (catenin beta 1; plus strand), LOC126806659 (BRD4-independent group 4 enhancer GRCh37_chr3:41274918-41276117; plus strand). Cytogenetic location: 3p22.1.
Variant type: single nucleotide variant.
Coding change: c.1526C>G on transcript NM_001904.4 (MANE Select); coding-DNA position 1526, C replaced by G.
Protein change: p.Ala509Gly; replaces alanine 509 with glycine.
Molecular consequence: missense variant.
Genome position (GRCh38, 1-based): chr3:41,234,140, C>G. VCF-style: chr3-41234140-C-G. GRCh37 (hg19) VCF-style: chr3-41275631-C-G.
Other names: c.1526C>G, p.Ala509Gly (NM_001098209.2, NM_001098210.2); c.1505C>G, p.Ala502Gly (NM_001330729.2); short protein forms A502G, A509G.
Identifiers: ClinVar variation 2489116 (VCV002489116.4), dbSNP rs2470834344, ClinGen allele CA352234008.
Genomic context (GRCh38, chr3:41,234,140, plus strand): 5'-TTTAGGGTAAGAAAATGATTTTGTTGAGTTGTATGCCAGTTCTTCCTTCTGTTTTTCAGG[C>G]TACTGTTGGATTGATTCGAAATCTTGCCCTTTGTCCCGCAAATCATGCACCTTTGCGTGA-3'
Protein context (NP_001895.1, residues 499-519): HPPSHWPLIK[Ala509Gly]TVGLIRNLAL